The following is an entry in ClinVar:

ClinVar aggregate classification (germline): Uncertain significance. Review status: criteria provided, multiple submitters, no conflicts (2 of 4 stars). 2 submissions from 2 submitters: Uncertain significance (2). Last evaluated 2025-08-10.

Conditions:
Inborn genetic diseases. Identifiers: MedGen C0950123, MeSH D030342.

Allele frequency attached by ClinVar (database versions not stated): gnomAD exomes below 0.00001.
gnomAD v4.1: 1 of 1,613,430 alleles (0.000062%); highest among the groups gnomAD compares: Non-Finnish European, 0.000085%; no homozygotes.

Submissions (2):

Ambry Genetics
Classification: Uncertain significance for Inborn genetic diseases. Last evaluated: 2025-08-10. Review status: criteria provided, single submitter. Criteria: Ambry Variant Classification Scheme 2023. Collection method: clinical testing. Allele origin: germline.

Labcorp Genetics (formerly Invitae), Labcorp
Classification: Uncertain significance. Last evaluated: 2021-09-30. Review status: criteria provided, single submitter. Criteria: Invitae Variant Classification Sherloc (09022015). Collection method: clinical testing. Allele origin: germline.
Comment: In summary, the available evidence is currently insufficient to determine the role of this variant in disease. Therefore, it has been classified as a Variant of Uncertain Significance. Algorithms developed to predict the effect of missense changes on protein structure and function (SIFT, PolyPhen-2, Align-GVGD) all suggest that this variant is likely to be tolerated. This variant has not been reported in the literature in individuals affected with KIF11-related conditions. This variant is not present in population databases (ExAC no frequency). This sequence change replaces glutamic acid with lysine at codon 864 of the KIF11 protein (p.Glu864Lys). The glutamic acid residue is moderately conserved and there is a small physicochemical difference between glutamic acid and lysine.

NM_004523.4(KIF11):c.2590G>A (p.Glu864Lys)

Gene: KIF11 (kinesin family member 11; plus strand). Cytogenetic location: 10q23.33.
Variant type: single nucleotide variant.
Coding change: c.2590G>A on transcript NM_004523.4 (MANE Select); coding-DNA position 2590, G replaced by A.
Protein change: p.Glu864Lys; replaces glutamic acid 864 with lysine.
Molecular consequence: missense variant.
Genome position (GRCh38, 1-based): chr10:92,648,254, G>A. VCF-style: chr10-92648254-G-A. GRCh37 (hg19) VCF-style: chr10-94408011-G-A.
Other names: c.2590G>A (NM_004523.3); short protein forms E864K.
Identifiers: ClinVar variation 1430916 (VCV001430916.7), dbSNP rs1474290767, ClinGen allele CA377805382.
Genomic context (GRCh38, chr10:92,648,254, plus strand): 5'-TATTTGCATCATTTACAGGTTGTAAGCCAATGTTGTGAGGCTTCAAGTTCAGACATCACT[G>A]AGAAATCAGATGGACGTAAGGCAGCTCATGAGAAACAGCATAACATTTTTCTTGATCAGA-3'
Protein context (NP_004514.2, residues 854-874): CCEASSSDIT[Glu864Lys]KSDGRKAAHE